The following is an entry in ClinVar:

NM_004438.5(EPHA4):c.917C>T (p.Ser306Leu)

Gene: EPHA4 (EPH receptor A4; minus strand). Cytogenetic location: 2q36.1.
Variant type: single nucleotide variant.
Coding change: c.917C>T on transcript NM_004438.5 (MANE Select); coding-DNA position 917, C replaced by T.
Protein change: p.Ser306Leu; replaces serine 306 with leucine.
Molecular consequence: missense variant.
Genome position (GRCh38, 1-based): chr2:221,501,079, G>A on the plus strand (C>T on the coding strand, the complement: EPHA4 is on the minus strand). VCF-style: chr2-221501079-G-A. GRCh37 (hg19) VCF-style: chr2-222365799-G-A.
Other names: c.917C>T, p.Ser306Leu (NM_001304536.2, NM_001363748.2); c.764C>T, p.Ser255Leu (NM_001304537.2); short protein forms S306L, S255L.
Identifiers: ClinVar variation 4664716 (VCV004664716.1).
Genomic context (GRCh38, chr2:221,501,079, plus strand): 5'-GTGCAGGGCATAGAGGCAGCATCGTTGTCAGCTCTGAAAAAGCCTCGGTCACAGGTGCAC[G>A]AGGTGGCTCCTTCCCAGACAGAGTAGCTGTGGGGTGGGCACTTGGCACAGGTGGCATCCG-3'
Protein context (NP_004429.1, residues 296-316): HSYSVWEGAT[Ser306Leu]CTCDRGFFRA

ClinVar aggregate classification (germline): Uncertain significance (1 of 4 stars; one submission).

gnomAD v4.1: 31 of 1,613,680 alleles (0.0019%); highest among the groups gnomAD compares: African/African-American, 0.027%; no homozygotes.

Submission:

Ambry Genetics
Classification: Uncertain significance. Last evaluated: 2025-11-05. Review status: criteria provided, single submitter. Criteria: Ambry Variant Classification Scheme 2023. Collection method: clinical testing. Allele origin: germline.
Comment: The c.917C>T (p.S306L) alteration is located in exon 4 (coding exon 4) of the EPHA4 gene. This alteration results from a C to T substitution at nucleotide position 917, causing the serine (S) at amino acid position 306 to be replaced by a leucine (L). Based on data from gnomAD, the T allele has an overall frequency of 0.003% (8/281828) total alleles studied. The highest observed frequency was 0.02% (5/24950) of African alleles. Based on insufficient or conflicting evidence, the clinical significance of this alteration remains unclear.